The following is an entry in ClinVar:

NM_052947.4(ALPK2):c.1519G>A (p.Gly507Arg)

Gene: ALPK2 (alpha kinase 2; minus strand). Cytogenetic location: 18q21.31.
Variant type: single nucleotide variant.
Coding change: c.1519G>A on transcript NM_052947.4 (MANE Select); coding-DNA position 1519, G replaced by A.
Protein change: p.Gly507Arg; replaces glycine 507 with arginine.
Molecular consequence: missense variant.
Genome position (GRCh38, 1-based): chr18:58,579,257, C>T on the plus strand (G>A on the coding strand, the complement: ALPK2 is on the minus strand). VCF-style: chr18-58579257-C-T. GRCh37 (hg19) VCF-style: chr18-56246489-C-T.
Other names: short protein forms G507R.
Identifiers: ClinVar variation 2561792 (VCV002561792.2), dbSNP rs1411812417, ClinGen allele CA402562460.

ClinVar aggregate classification (germline): Uncertain significance (1 of 4 stars; one submission).

Allele frequency attached by ClinVar (database versions not stated): TOPMed below 0.00001; gnomAD 0.00001.
gnomAD v4.1: 3 of 1,614,050 alleles (0.00019%); highest among the groups gnomAD compares: African/African-American, 0.0027%; no homozygotes.

Submission:

Ambry Genetics
Classification: Uncertain significance. Last evaluated: 2023-05-02. Review status: criteria provided, single submitter. Criteria: Ambry Variant Classification Scheme 2023. Collection method: clinical testing. Allele origin: germline.
Comment: The p.G507R variant (also known as c.1519G>A), located in coding exon 3 of the ALPK2 gene, results from a G to A substitution at nucleotide position 1519. The glycine at codon 507 is replaced by arginine, an amino acid with dissimilar properties. This amino acid position is conserved. In addition, this alteration is predicted to be tolerated by in silico analysis. Since supporting evidence is limited at this time, the clinical significance of this alteration remains unclear.